The following is an entry in ClinVar:

ClinVar aggregate classification (germline): Uncertain significance (1 of 4 stars; one submission).

Conditions:
RASopathy. Also called: rasopathies; Noonan spectrum disorder. Identifiers: Orphanet 536391, MedGen C5555857, MONDO:0021060.

gnomAD v4.1: 1 of 1,558,950 alleles (0.000064%); highest among the groups gnomAD compares: Non-Finnish European, 0.000087%; no homozygotes.

Submission:

Labcorp Genetics (formerly Invitae), Labcorp
Classification: Uncertain significance for RASopathy. Last evaluated: 2024-11-11. Review status: criteria provided, single submitter. Criteria: Invitae Variant Classification Sherloc (09022015). Collection method: clinical testing. Allele origin: germline.
Comment: This sequence change creates a premature translational stop signal (p.Gln34*) in the CBL gene. It is expected to result in an absent or disrupted protein product. However, the current clinical and genetic evidence is not sufficient to establish whether loss-of-function variants in CBL cause disease. This variant is not present in population databases (gnomAD no frequency). This variant has not been reported in the literature in individuals affected with CBL-related conditions. In summary, the available evidence is currently insufficient to determine the role of this variant in disease. Therefore, it has been classified as a Variant of Uncertain Significance.

NM_005188.4(CBL):c.100C>T (p.Gln34Ter)

Genes: CBL (Cbl proto-oncogene; plus strand), LOC130006895 (ATAC-STARR-seq lymphoblastoid silent region 3975; plus strand). Cytogenetic location: 11q23.3.
Variant type: single nucleotide variant.
Coding change: c.100C>T on transcript NM_005188.4 (MANE Select); coding-DNA position 100, C replaced by T.
Protein change: p.Gln34Ter; replaces glutamine 34 with a stop codon.
Molecular consequence: nonsense.
Genome position (GRCh38, 1-based): chr11:119,206,517, C>T. VCF-style: chr11-119206517-C-T. GRCh37 (hg19) VCF-style: chr11-119077227-C-T.
Other names: short protein forms Q34*.
Identifiers: ClinVar variation 3725019 (VCV003725019.2).